The following is an entry in ClinVar:

ClinVar aggregate classification (germline): Uncertain significance (1 of 4 stars; one submission).

gnomAD v4.1: 9 of 1,613,814 alleles (0.00056%); highest among the groups gnomAD compares: South Asian, 0.0022%; no homozygotes.

Submission:

GeneDx
Classification: Uncertain significance. Last evaluated: 2023-10-26. Review status: criteria provided, single submitter. Criteria: GeneDx Variant Classification Process June 2021. Collection method: clinical testing. Allele origin: germline. Affected: yes.
Comment: In silico analysis supports that this missense variant does not alter protein structure/function; Has not been previously published as pathogenic or benign to our knowledge

NM_181552.4(CUX1):c.2600G>A (p.Arg867His)

Gene: CUX1 (cut like homeobox 1; plus strand). Cytogenetic location: 7q22.1.
Variant type: single nucleotide variant.
Coding change: c.2600G>A on transcript NM_181552.4 (MANE Select); coding-DNA position 2600, G replaced by A.
Protein change: p.Arg867His; replaces arginine 867 with histidine.
Molecular consequence: missense variant. On other transcripts: intron variant (5).
Genome position (GRCh38, 1-based): chr7:102,201,897, G>A. VCF-style: chr7-102201897-G-A. GRCh37 (hg19) VCF-style: chr7-101845177-G-A.
Other names: c.2633G>A, p.Arg878His (NM_001202543.2); c.1255+6294G>A (NM_001913.5); c.1249+6294G>A (NM_181500.4); c.1117+6294G>A (NM_001202545.3); c.1207+6294G>A (NM_001202544.3); c.1138+6294G>A (NM_001202546.3); short protein forms R867H, R878H.
Identifiers: ClinVar variation 3363387 (VCV003363387.1).